The following is an entry in ClinVar:

NM_001211.6(BUB1B):c.1196G>T (p.Cys399Phe)

Gene: BUB1B (BUB1 mitotic checkpoint serine/threonine kinase B; plus strand). Cytogenetic location: 15q15.1.
Variant type: single nucleotide variant.
Coding change: c.1196G>T on transcript NM_001211.6 (MANE Select); coding-DNA position 1196, G replaced by T.
Protein change: p.Cys399Phe; replaces cysteine 399 with phenylalanine.
Molecular consequence: missense variant.
Genome position (GRCh38, 1-based): chr15:40,196,682, G>T. VCF-style: chr15-40196682-G-T. GRCh37 (hg19) VCF-style: chr15-40488883-G-T.
Other names: short protein forms C399F.
Identifiers: ClinVar variation 1746138 (VCV001746138.2), dbSNP rs761915692, ClinGen allele CA391687359.
Genomic context (GRCh38, chr15:40,196,682, plus strand): 5'-TACAAAGGGTTCAGAGCCATCAGCAAGCGTCTGAGGAGAAGAAAGAGAAGATGATGTATT[G>T]TAAGGAGAAGATTTATGCAGGAGTAGGGGAATTCTCCTTTGAAGAAATTCGGGCTGAAGT-3'
Protein context (NP_001202.5, residues 389-409): SEEKKEKMMY[Cys399Phe]KEKIYAGVGE

ClinVar aggregate classification (germline): Uncertain significance (1 of 4 stars; one submission).

Conditions:
Inborn genetic diseases. Identifiers: MedGen C0950123, MeSH D030342.

Submission:

Ambry Genetics
Classification: Uncertain significance for Inborn genetic diseases. Last evaluated: 2022-10-04. Review status: criteria provided, single submitter. Criteria: Ambry Variant Classification Scheme 2023. Collection method: clinical testing. Allele origin: germline.
Comment: The p.C399F variant (also known as c.1196G>T), located in coding exon 9 of the BUB1B gene, results from a G to T substitution at nucleotide position 1196. The cysteine at codon 399 is replaced by phenylalanine, an amino acid with highly dissimilar properties. This amino acid position is conserved. In addition, the in silico prediction for this alteration is inconclusive. Since supporting evidence is limited at this time, the clinical significance of this alteration remains unclear.